The following is an entry in ClinVar:

ClinVar aggregate classification (germline): Uncertain significance (1 of 4 stars; one submission).

Conditions:
Bethlem myopathy 1A. Also called: MYOPATHY, BENIGN CONGENITAL, WITH CONTRACTURES; Bethlem myopathy 1; Bethlem Muscular Dystrophy. Identifiers: Orphanet 610, MedGen CN029274, MONDO:0024530, OMIM 158810.

Submission:

Labcorp Genetics (formerly Invitae), Labcorp
Classification: Uncertain significance for Bethlem myopathy 1A. Last evaluated: 2022-01-23. Review status: criteria provided, single submitter. Criteria: Invitae Variant Classification Sherloc (09022015). Collection method: clinical testing. Allele origin: germline.
Comment: This missense change has been observed in individual(s) with clinical features of autosomal dominant COL6A3-related conditions (Invitae). In summary, the available evidence is currently insufficient to determine the role of this variant in disease. Therefore, it has been classified as a Variant of Uncertain Significance. Algorithms developed to predict the effect of sequence changes on RNA splicing suggest that this variant may create or strengthen a splice site. Advanced modeling of protein sequence and biophysical properties (such as structural, functional, and spatial information, amino acid conservation, physicochemical variation, residue mobility, and thermodynamic stability) performed at Invitae indicates that this missense variant is not expected to disrupt COL6A3 protein function. This variant is not present in population databases (gnomAD no frequency). This sequence change replaces threonine, which is neutral and polar, with lysine, which is basic and polar, at codon 1926 of the COL6A3 protein (p.Thr1926Lys).

NM_004369.4(COL6A3):c.5777C>A (p.Thr1926Lys)

Gene: COL6A3 (collagen type VI alpha 3 chain; minus strand). Cytogenetic location: 2q37.3.
Variant type: single nucleotide variant.
Coding change: c.5777C>A on transcript NM_004369.4 (MANE Select); coding-DNA position 5777, C replaced by A.
Protein change: p.Thr1926Lys; replaces threonine 1926 with lysine.
Molecular consequence: missense variant.
Genome position (GRCh38, 1-based): chr2:237,365,759, G>T on the plus strand (C>A on the coding strand, the complement: COL6A3 is on the minus strand). VCF-style: chr2-237365759-G-T. GRCh37 (hg19) VCF-style: chr2-238274402-G-T.
Other names: c.3956C>A, p.Thr1319Lys (NM_057166.5); c.5159C>A, p.Thr1720Lys (NM_057167.4); short protein forms T1720K, T1926K, T1319K.
Identifiers: ClinVar variation 1934693 (VCV001934693.5), dbSNP rs763172498, ClinGen allele CA351185725.